The following is an entry in ClinVar:

ClinVar aggregate classification (germline): Uncertain significance (1 of 4 stars; one submission).

Conditions:
Neuropathy, hereditary sensory and autonomic, type 2A (HSAN2A). Also called: ACROOSTEOLYSIS, GIACCAI TYPE; ACROOSTEOLYSIS, NEUROGENIC; MORVAN DISEASE; NEUROPATHY, CONGENITAL SENSORY; NEUROPATHY, HEREDITARY SENSORY RADICULAR, AUTOSOMAL RECESSIVE; NEUROPATHY, HEREDITARY SENSORY, TYPE IIA. Identifiers: Orphanet 970, MedGen C2752089, MONDO:0024309, OMIM 201300.
Generalized epilepsy with febrile seizures plus, type 7 (GEFSP7). Also called: GEFS+, TYPE 7. Identifiers: Orphanet 36387, MedGen C2751778, MONDO:0013470, OMIM 613863.

Allele frequency attached by ClinVar (database versions not stated): gnomAD exomes below 0.00001.
gnomAD v4.1: 5 of 1,614,200 alleles (0.00031%); highest among the groups gnomAD compares: Middle Eastern, 0.049%; no homozygotes.

Submission:

Labcorp Genetics (formerly Invitae), Labcorp
Classification: Uncertain significance for Neuropathy, hereditary sensory and autonomic, type 2A; Generalized epilepsy with febrile seizures plus, type 7. Last evaluated: 2024-07-16. Review status: criteria provided, single submitter. Criteria: Invitae Variant Classification Sherloc (09022015). Collection method: clinical testing. Allele origin: germline.
Comment: This sequence change replaces valine, which is neutral and non-polar, with phenylalanine, which is neutral and non-polar, at codon 1715 of the SCN9A protein (p.Val1715Phe). This variant is present in population databases (no rsID available, gnomAD 0.0009%). This variant has not been reported in the literature in individuals affected with SCN9A-related conditions. ClinVar contains an entry for this variant (Variation ID: 538455). Advanced modeling of protein sequence and biophysical properties (such as structural, functional, and spatial information, amino acid conservation, physicochemical variation, residue mobility, and thermodynamic stability) performed at Invitae indicates that this missense variant is not expected to disrupt SCN9A protein function with a negative predictive value of 95%. In summary, the available evidence is currently insufficient to determine the role of this variant in disease. Therefore, it has been classified as a Variant of Uncertain Significance.

NM_001365536.1(SCN9A):c.5176G>T (p.Val1726Phe)

Genes: SCN9A (sodium voltage-gated channel alpha subunit 9; minus strand), SCN1A-AS1 (SCN1A and SCN9A antisense RNA 1; plus strand). Cytogenetic location: 2q24.3.
Variant type: single nucleotide variant.
Coding change: c.5176G>T on transcript NM_001365536.1 (MANE Select); coding-DNA position 5176, G replaced by T.
Protein change: p.Val1726Phe; replaces valine 1726 with phenylalanine.
Molecular consequence: missense variant.
Genome position (GRCh38, 1-based): chr2:166,199,463, C>A on the plus strand (G>T on the coding strand, the complement: SCN9A is on the minus strand). VCF-style: chr2-166199463-C-A. GRCh37 (hg19) VCF-style: chr2-167055973-C-A.
Other names: c.5143G>T, p.Val1715Phe (NM_002977.4); short protein forms V1715F, V1726F.
Identifiers: ClinVar variation 538455 (VCV000538455.9), dbSNP rs1161512007, ClinGen allele CA349054382.